The following is an entry in ClinVar:

ClinVar aggregate classification (germline): Pathogenic (1 of 4 stars; one submission).

Conditions:
Rubinstein-Taybi syndrome due to EP300 haploinsufficiency. Also called: EP300-Related Rubinstein-Taybi Syndrome; RUBINSTEIN-TAYBI SYNDROME 2. Identifiers: Orphanet 353284, Orphanet 783, MedGen C3150941, MONDO:0013364, OMIM 613684.

Allele frequency attached by ClinVar (database versions not stated): gnomAD exomes below 0.00001.
gnomAD v4.1: 1 of 1,614,196 alleles (0.000062%); highest among the groups gnomAD compares: Non-Finnish European, 0.000085%; no homozygotes.

Submission:

Labcorp Genetics (formerly Invitae), Labcorp
Classification: Pathogenic for Rubinstein-Taybi syndrome due to EP300 haploinsufficiency. Last evaluated: 2019-08-06. Review status: criteria provided, single submitter. Criteria: Invitae Variant Classification Sherloc (09022015). Collection method: clinical testing. Allele origin: germline.
Comment: For these reasons, this variant has been classified as Pathogenic. Algorithms developed to predict the effect of sequence changes on RNA splicing suggest that this variant may disrupt the consensus splice site, but this prediction has not been confirmed by published transcriptional studies. This variant has been observed in individual(s) with clinical features of Rubinstein-Taybi syndrome (PMID: 27648933, Invitae). In at least one individual this variant was found to be de novo. This variant is not present in population databases (ExAC no frequency). This sequence change falls in intron 24 of the EP300 gene. It does not directly change the encoded amino acid sequence of the EP300 protein.

Literature cited by the submitters: PubMed 27648933.

NM_001429.4(EP300):c.4026-9A>G

Gene: EP300 (EP300 lysine acetyltransferase; plus strand). Cytogenetic location: 22q13.2.
Variant type: single nucleotide variant.
Coding change: c.4026-9A>G on transcript NM_001429.4 (MANE Select); 9 bases into the intron before coding-DNA position 4026, A replaced by G.
Molecular consequence: intron variant.
Genome position (GRCh38, 1-based): chr22:41,168,712, A>G. VCF-style: chr22-41168712-A-G. GRCh37 (hg19) VCF-style: chr22-41564716-A-G.
Other names: c.3948-9A>G (NM_001362843.2).
Identifiers: ClinVar variation 955890 (VCV000955890.12), dbSNP rs2059153923, ClinGen allele CA1139667117.
Genomic context (GRCh38, chr22:41,168,712, plus strand): 5'-ATGGTTACTATTGGTGATTCCAGTCTGAATGAGTTATGTTGTGGTTCCCCCACCATCTCA[A>G]TTGTATAGGTTTGTGGACAGTGGAGAGATGGCAGAATCCTTTCCATACCGAACCAAAGCC-3'